The following is an entry in ClinVar:

ClinVar aggregate classification (germline): Uncertain significance (1 of 4 stars; one submission).

Conditions:
Neonatal-onset encephalopathy with rigidity and seizures. Also called: Lethal neonatal spasticity-epileptic encephalopathy syndrome. Identifiers: Orphanet 435845, MedGen C3281029, MONDO:0013784, OMIM 614498.

Submission:

Labcorp Genetics (formerly Invitae), Labcorp
Classification: Uncertain significance for Neonatal-onset encephalopathy with rigidity and seizures. Last evaluated: 2024-02-05. Review status: criteria provided, single submitter. Criteria: Invitae Variant Classification Sherloc (09022015). Collection method: clinical testing. Allele origin: germline.
Comment: This variant, c.1034_1051del, results in the deletion of 6 amino acid(s) of the BRAT1 protein (p.Ala345_Thr350del), but otherwise preserves the integrity of the reading frame. This variant is not present in population databases (gnomAD no frequency). This variant has not been reported in the literature in individuals affected with BRAT1-related conditions. ClinVar contains an entry for this variant (Variation ID: 2152212). Experimental studies and prediction algorithms are not available or were not evaluated, and the functional significance of this variant is currently unknown. In summary, the available evidence is currently insufficient to determine the role of this variant in disease. Therefore, it has been classified as a Variant of Uncertain Significance.

NM_152743.4(BRAT1):c.1034_1051del (p.Ala345_Thr350del)

Gene: BRAT1 (BRCA1 associated ATM activator 1; minus strand). Cytogenetic location: 7p22.3.
Variant type: Deletion.
Coding change: c.1034_1051del on transcript NM_152743.4 (MANE Select); coding-DNA positions 1034 to 1051, 18 bases deleted (CAGACGATGCCACGACGG).
Protein change: p.Ala345_Thr350del.
Molecular consequence: inframe deletion. On other transcripts: non-coding transcript variant (1).
Genome position (GRCh38, 1-based): chr7:2,541,801-2,541,818, CCGTCGTGGCATCGTCTG deleted on the plus strand (CAGACGATGCCACGACGG on the coding strand, the reverse complement: BRAT1 is on the minus strand); deleting any 18 consecutive bases within chr7:2,541,801-2,541,823 gives the same sequence; the c. name uses the placement nearest the transcript's 3' end. VCF-style (leftmost placement, unchanged base first): chr7-2541800-ACCGTCGTGGCATCGTCTG-A. GRCh37 (hg19) VCF-style: chr7-2581434-ACCGTCGTGGCATCGTCTG-A.
Other names: c.1034_1051del, p.Ala345_Thr350del (NM_001350626.2); c.509_526del, p.Ala170_Thr175del (NM_001350627.2).
Identifiers: ClinVar variation 2152212 (VCV002152212.4), dbSNP rs1413033056, ClinGen allele CA837007907.